The following is an entry in ClinVar:

ClinVar aggregate classification (germline): Pathogenic (1 of 4 stars; one submission).

Conditions:
Ataxia-telangiectasia syndrome (AT). Also called: LOUIS-BAR SYNDROME; Cerebello-oculocutaneous telangiectasia; Immunodeficiency with ataxia telangiectasia; ATAXIA-TELANGIECTASIA, COMPLEMENTATION GROUP A; ATAXIA-TELANGIECTASIA, FRESNO VARIANT; Ataxia-telangiectasia, complementation group D. Identifiers: Orphanet 100, MedGen C0004135, MONDO:0008840, OMIM 208900.

Submission:

Labcorp Genetics (formerly Invitae), Labcorp
Classification: Pathogenic for Ataxia-telangiectasia syndrome. Last evaluated: 2024-05-16. Review status: criteria provided, single submitter. Criteria: Invitae Variant Classification Sherloc (09022015). Collection method: clinical testing. Allele origin: germline.
Comment: This sequence change creates a premature translational stop signal (p.Gln268Thrfs*2) in the ATM gene. It is expected to result in an absent or disrupted protein product. Loss-of-function variants in ATM are known to be pathogenic (PMID: 23807571, 25614872). This variant is not present in population databases (gnomAD no frequency). This variant has not been reported in the literature in individuals affected with ATM-related conditions. Algorithms developed to predict the effect of sequence changes on RNA splicing suggest that this variant may disrupt the consensus splice site. For these reasons, this variant has been classified as Pathogenic.

Literature cited by the submitters: PubMed 23807571; PubMed 25614872.

NM_000051.4(ATM):c.801_802del (p.Gln268fs)

Gene: ATM (ATM serine/threonine kinase; plus strand). Cytogenetic location: 11q22.3.
Variant type: Deletion.
Coding change: c.801_802del on transcript NM_000051.4 (MANE Select); coding-DNA positions 801 to 802, 2 bases deleted (TC; older notation c.801_802delTC).
Protein change: p.Gln268fs; shifts the reading frame from glutamine 268.
Molecular consequence: frameshift variant.
Genome position (GRCh38, 1-based): chr11:108,244,926-108,244,927, TC deleted; deleting any 2 consecutive bases within chr11:108,244,925-108,244,927 gives the same sequence; the c. name uses the placement nearest the transcript's 3' end. VCF-style (leftmost placement, unchanged base first): chr11-108244924-ACT-A. GRCh37 (hg19) VCF-style: chr11-108115651-ACT-A.
Other names: c.801_802del, p.Gln268fs (NM_001351834.2); short protein forms Q268fs.
Identifiers: ClinVar variation 3653580 (VCV003653580.2).